The following is an entry in ClinVar:

ClinVar aggregate classification (germline): Conflicting classifications of pathogenicity. Review status: criteria provided, conflicting classifications (1 of 4 stars). 3 submissions from 3 submitters: Uncertain significance (2); Likely benign (1). Last evaluated 2024-10-12.

Conditions:
Hereditary cancer-predisposing syndrome. Also called: Hereditary neoplastic syndrome; Tumor predisposition; Hereditary Cancer Syndrome; Neoplastic Syndromes, Hereditary. Identifiers: Orphanet 140162, MedGen C0027672, MeSH D009386, MONDO:0015356.
Hereditary breast ovarian cancer syndrome. Also called: Hereditary breast and ovarian cancer syndrome (HBOC); Hereditary breast and ovarian cancer; Hereditary breast and/or ovarian cancer syndrome; BRCA1- and BRCA2-Associated Hereditary Breast and Ovarian Cancer; Hereditary breast and ovarian cancer syndrome; Breast and ovarian cancer. Identifiers: Orphanet 145, MedGen C0677776, MeSH D061325, MONDO:0003582. Disease mechanism: loss of function.

Submissions (3):

Ambry Genetics
Classification: Uncertain significance for Hereditary cancer-predisposing syndrome. Last evaluated: 2024-10-12. Review status: criteria provided, single submitter. Criteria: Ambry Variant Classification Scheme 2023. Collection method: clinical testing. Allele origin: germline.
Comment: The p.I1293V variant (also known as c.3877A>G), located in coding exon 10 of the BRCA2 gene, results from an A to G substitution at nucleotide position 3877. The isoleucine at codon 1293 is replaced by valine, an amino acid with highly similar properties. This amino acid position is conserved. In addition, this alteration is predicted to be tolerated by in silico analysis. Based on the available evidence, the clinical significance of this variant remains unclear.

Labcorp Genetics (formerly Invitae), Labcorp
Classification: Uncertain significance for Hereditary breast ovarian cancer syndrome. Last evaluated: 2024-04-15. Review status: criteria provided, single submitter. Criteria: Invitae Variant Classification Sherloc (09022015). Collection method: clinical testing. Allele origin: germline.
Comment: This sequence change replaces isoleucine, which is neutral and non-polar, with valine, which is neutral and non-polar, at codon 1293 of the BRCA2 protein (p.Ile1293Val). This variant is not present in population databases (gnomAD no frequency). This variant has not been reported in the literature in individuals affected with BRCA2-related conditions. ClinVar contains an entry for this variant (Variation ID: 1949786). Advanced modeling of protein sequence and biophysical properties (such as structural, functional, and spatial information, amino acid conservation, physicochemical variation, residue mobility, and thermodynamic stability) performed at Invitae indicates that this missense variant is not expected to disrupt BRCA2 protein function with a negative predictive value of 95%. In summary, the available evidence is currently insufficient to determine the role of this variant in disease. Therefore, it has been classified as a Variant of Uncertain Significance.

University of Washington Department of Laboratory Medicine, University of Washington
Classification: Likely benign for Hereditary cancer-predisposing syndrome. Last evaluated: 2023-03-23. Review status: criteria provided, single submitter. Criteria: Dines et al. (Genet Med. 2020). Collection method: curation. Allele origin: germline.
Comment: Missense variant in a coldspot region where missense variants are very unlikely to be pathogenic (PMID:31911673).

BRCA2 exon 11 coldspot. Reclassification based on statistical prior probability.

NM_000059.4(BRCA2):c.3877A>G (p.Ile1293Val)

Gene: BRCA2 (BRCA2 DNA repair associated; plus strand). Cytogenetic location: 13q13.1.
Variant type: single nucleotide variant.
Coding change: c.3877A>G on transcript NM_000059.4 (MANE Select); coding-DNA position 3877, A replaced by G.
Protein change: p.Ile1293Val; replaces isoleucine 1293 with valine.
Molecular consequence: missense variant.
Genome position (GRCh38, 1-based): chr13:32,338,232, A>G. VCF-style: chr13-32338232-A-G. GRCh37 (hg19) VCF-style: chr13-32912369-A-G.
Other names: c.3877A>G, p.Ile1293Val (NM_001406719.1, NM_001406720.1); short protein forms I1293V.
Identifiers: ClinVar variation 1949786 (VCV001949786.8), dbSNP rs876659799, ClinGen allele CA387778730.